The following is an entry in ClinVar:

ClinVar aggregate classification (germline): Uncertain significance (1 of 4 stars; one submission).

Conditions:
Inborn genetic diseases. Identifiers: MedGen C0950123, MeSH D030342.

Submission:

Ambry Genetics
Classification: Uncertain significance for Inborn genetic diseases. Last evaluated: 2026-08-03. Review status: criteria provided, single submitter. Criteria: Ambry Variant Classification Scheme 2023. Collection method: clinical testing. Allele origin: germline.
Comment: The p.N393S variant (also known as c.1178A>G), located in coding exon 8 of the MIB1 gene, results from an A to G substitution at nucleotide position 1178. The asparagine at codon 393 is replaced by serine, an amino acid with highly similar properties. This amino acid position is conserved. In addition, this alteration is predicted to be tolerated by in silico analysis. Based on the available evidence, the clinical significance of this variant remains unclear.

NM_020774.4(MIB1):c.1178A>G (p.Asn393Ser)

Gene: MIB1 (MIB E3 ubiquitin protein ligase 1; plus strand). Cytogenetic location: 18q11.2.
Variant type: single nucleotide variant.
Coding change: c.1178A>G on transcript NM_020774.4 (MANE Select); coding-DNA position 1178, A replaced by G.
Protein change: p.Asn393Ser; replaces asparagine 393 with serine.
Molecular consequence: missense variant.
Genome position (GRCh38, 1-based): chr18:21,798,169, A>G. VCF-style: chr18-21798169-A-G. GRCh37 (hg19) VCF-style: chr18-19378130-A-G.
Other names: short protein forms N393S.
Identifiers: ClinVar variation 5024447 (VCV005024447.1).